The following is an entry in ClinVar:

ClinVar aggregate classification (germline): Pathogenic (1 of 4 stars; one submission).

Conditions:
Atypical glycine encephalopathy. Also called: Glycine encephalopathy with normal serum glycine. Identifiers: Orphanet 289863, MedGen C4310943, MONDO:0015010, OMIM 617301.

Submission:

Labcorp Genetics (formerly Invitae), Labcorp
Classification: Pathogenic for Atypical glycine encephalopathy. Last evaluated: 2024-07-24. Review status: criteria provided, single submitter. Criteria: Invitae Variant Classification Sherloc (09022015). Collection method: clinical testing. Allele origin: germline.
Comment: This sequence change creates a premature translational stop signal (p.Phe388Valfs*4) in the SLC6A9 gene. It is expected to result in an absent or disrupted protein product. Loss-of-function variants in SLC6A9 are known to be pathogenic (PMID: 27773429). This variant is not present in population databases (gnomAD no frequency). This variant has not been reported in the literature in individuals affected with SLC6A9-related conditions. For these reasons, this variant has been classified as Pathogenic.

Literature cited by the submitters: PubMed 27773429.

NM_001024845.3(SLC6A9):c.941dup (p.Phe315fs)

Gene: SLC6A9 (solute carrier family 6 member 9; minus strand). Cytogenetic location: 1p34.1.
Variant type: Duplication.
Coding change: c.941dup on transcript NM_001024845.3 (MANE Select); coding-DNA position 941, one base duplicated (A; older notation c.941dupA).
Protein change: p.Phe315fs; shifts the reading frame from phenylalanine 315.
Molecular consequence: frameshift variant. On other transcripts: non-coding transcript variant (1).
Genome position (GRCh38, 1-based): chr1:44,002,334, T duplicated on the plus strand (A on the coding strand, the reverse complement: SLC6A9 is on the minus strand); the first of 2 consecutive T bases (chr1:44,002,334-44,002,335); duplicating either gives the same sequence. VCF-style (leftmost placement, unchanged base first): chr1-44002333-C-CT. GRCh37 (hg19) VCF-style: chr1-44468005-C-CT.
Other names: c.953dup, p.Phe319fs (NM_001261380.2); c.608dup, p.Phe204fs (NM_001328626.2, NM_001328630.2); c.878dup, p.Phe294fs (NM_001328627.1); c.746dup, p.Phe250fs (NM_001328628.1); c.941dup, p.Phe315fs (NM_001328629.1); c.998dup, p.Phe334fs (NM_006934.4); c.1160dup, p.Phe388fs (NM_201649.4); short protein forms F315fs, F319fs, F294fs, F388fs, F334fs, F204fs, F250fs.
Identifiers: ClinVar variation 3659467 (VCV003659467.2).
Genomic context (GRCh38, chr1:44,002,333, plus strand): 5'-GCAGGAAGGGGGCAGCCTCAGCCCAGCAGGGAGCACTCACCGGTAACAGTTATTGTGGAA[C>CT]TTGTTGTAGGAAGCCATGGTGATGAGGCCTCCCCACGCGCAGCCCAGTGAGTAGAAGATC-3'